The following is an entry in ClinVar:

ClinVar aggregate classification (germline): Uncertain significance (1 of 4 stars; one submission).

Conditions:
Senior-Loken syndrome 9 (SLSN9). Identifiers: Orphanet 3156, MedGen C4225263, MONDO:0014712, OMIM 616629.

Allele frequency attached by ClinVar (database versions not stated): TOPMed below 0.00001.
gnomAD v4.1: 2 of 1,614,066 alleles (0.00012%); highest among the groups gnomAD compares: African/African-American, 0.0013%; no homozygotes.

Submission:

Baylor Genetics
Classification: Uncertain significance for Senior-Loken syndrome 9. Last evaluated: 2019-08-03. Review status: criteria provided, single submitter. Criteria: ACMG Guidelines, 2015. Collection method: clinical testing. Allele origin: unknown. Affected: yes.
Comment: This variant was determined to be of uncertain significance according to ACMG Guidelines, 2015 [PMID:25741868].

NM_015650.4(TRAF3IP1):c.152G>A (p.Gly51Asp)

Gene: TRAF3IP1 (TRAF3 interacting protein 1; plus strand). Cytogenetic location: 2q37.3.
Variant type: single nucleotide variant.
Coding change: c.152G>A on transcript NM_015650.4 (MANE Select); coding-DNA position 152, G replaced by A.
Protein change: p.Gly51Asp; replaces glycine 51 with aspartic acid.
Molecular consequence: missense variant.
Genome position (GRCh38, 1-based): chr2:238,325,334, G>A. VCF-style: chr2-238325334-G-A. GRCh37 (hg19) VCF-style: chr2-239233975-G-A.
Other names: c.152G>A, p.Gly51Asp (NM_001139490.1); short protein forms G51D.
Identifiers: ClinVar variation 1027992 (VCV001027992.1), dbSNP rs1574887966, ClinGen allele CA351241258.
Genomic context (GRCh38, chr2:238,325,334, plus strand): 5'-GTGACATGGTGGCCTTTCTTTCTCTCTTGAAGGTGATTAGAATGACTGGTTTCATGAAGG[G>A]CCTCTACACAGACGCCGAGATGAAGTCTGATAATGTGAAGGTGGGTTTGAGTCGGGCTTC-3'
Protein context (NP_056465.2, residues 41-61): EVIRMTGFMK[Gly51Asp]LYTDAEMKSD